The following is an entry in ClinVar:

NM_014795.4(ZEB2):c.3057C>T (p.Tyr1019=)

Gene: ZEB2 (zinc finger E-box binding homeobox 2; minus strand). Cytogenetic location: 2q22.3.
Variant type: single nucleotide variant.
Coding change: c.3057C>T on transcript NM_014795.4 (MANE Select); coding-DNA position 3057, C replaced by T.
Protein change: p.Tyr1019=; no amino-acid change (tyrosine 1019 retained).
Molecular consequence: synonymous variant.
Genome position (GRCh38, 1-based): chr2:144,396,422, G>A on the plus strand (C>T on the coding strand, the complement: ZEB2 is on the minus strand). VCF-style: chr2-144396422-G-A. GRCh37 (hg19) VCF-style: chr2-145153989-G-A.
Other names: c.2985C>T, p.Tyr995= (NM_001171653.2).
Identifiers: ClinVar variation 512784 (VCV000512784.18), dbSNP rs541915540, ClinGen allele CA1898163.

ClinVar aggregate classification (germline): Likely benign. Review status: criteria provided, multiple submitters, no conflicts (2 of 4 stars). 7 submissions from 7 submitters: Likely benign (6). 1 of the submissions does not count toward it. Last evaluated 2026-09-01.

Conditions:
ZEB2-related disorder. Also called: ZEB2-related condition.
Inborn genetic diseases. Identifiers: MedGen C0950123, MeSH D030342.
Mowat-Wilson syndrome (MOWS). Also called: Classic Mowat-Wilson Syndrome. Identifiers: Orphanet 2152, MedGen C1856113, MONDO:0009341, OMIM 235730.

Allele frequency attached by ClinVar (database versions not stated): gnomAD exomes 0.00004 and 0.00009; ExAC 0.00006; TOPMed 0.00007; gnomAD 0.00015 and 0.00016; 1000 Genomes Project 30x 0.00016; 1000 Genomes Project 0.00020.
gnomAD v4.1: 77 of 1,613,456 alleles (0.0048%); highest among the groups gnomAD compares: African/African-American, 0.02%; no homozygotes.

Submissions (7):

Ambry Genetics
Classification: Likely benign for Inborn genetic diseases. Last evaluated: 2026-09-01. Review status: criteria provided, single submitter. Criteria: Ambry Variant Classification Scheme 2023. Collection method: clinical testing. Allele origin: germline.

CeGaT Center for Human Genetics Tuebingen
Classification: Likely benign. Last evaluated: 2026-03-01. Review status: criteria provided, single submitter. Criteria: CeGaT Center For Human Genetics Tuebingen Variant Classification Criteria Version 2. Collection method: clinical testing. Allele origin: germline. Affected: yes. Observed: 1 variant allele.
Comment: ZEB2: BP4, BP7

Labcorp Genetics (formerly Invitae), Labcorp
Classification: Likely benign for Mowat-Wilson syndrome. Last evaluated: 2026-01-16. Review status: criteria provided, single submitter. Criteria: Invitae Variant Classification Sherloc (09022015). Collection method: clinical testing. Allele origin: germline.

Blueprint Genetics
Classification: Likely benign. Last evaluated: 2024-03-01. Review status: criteria provided, single submitter. Criteria: ACMG Guidelines, 2015. Collection method: clinical testing. Allele origin: germline.

Women's Health and Genetics/Laboratory Corporation of America, LabCorp
Classification: Likely benign. Last evaluated: 2023-10-31. Review status: criteria provided, single submitter. Criteria: LabCorp Variant Classification Summary - May 2015. Collection method: clinical testing. Allele origin: germline.
Comment: Variant summary: ZEB2 c.3057C>T alters a conserved nucleotide resulting in a synonymous change. Consensus agreement among computation tools predict no significant impact on normal splicing. However, these predictions have yet to be confirmed by functional studies. The variant allele was found at a frequency of 8.7e-05 in 251462 control chromosomes (gnomAD). To our knowledge, no occurrence of c.3057C>T in individuals affected with Mowat-Wilson Syndrome and no experimental evidence demonstrating its impact on protein function have been reported. Two submitters have cited clinical-significance assessments for this variant to ClinVar after 2014. All submitters classified the variant as likely benign. Based on the evidence outlined above, the variant was classified as likely benign.

GeneDx
Classification: Likely benign. Last evaluated: 2017-10-19. Review status: criteria provided, single submitter. Criteria: GeneDx Variant Classification (06012015). Collection method: clinical testing. Allele origin: germline. Affected: yes.
Comment: This variant is considered likely benign or benign based on one or more of the following criteria: it is a conservative change, it occurs at a poorly conserved position in the protein, it is predicted to be benign by multiple in silico algorithms, and/or has population frequency not consistent with disease.

PreventionGenetics, part of Exact Sciences
Classification: Likely benign for ZEB2-related condition. Last evaluated: 2024-02-26. Review status: no assertion criteria provided. Collection method: clinical testing. Allele origin: germline. Not counted in ClinVar's aggregate classification.
Comment: This variant is classified as likely benign based on ACMG/AMP sequence variant interpretation guidelines (Richards et al. 2015 PMID: 25741868, with internal and published modifications).